The following is an entry in ClinVar:

ClinVar aggregate classification (germline): Conflicting classifications of pathogenicity. Review status: criteria provided, conflicting classifications (1 of 4 stars). 2 submissions from 2 submitters: Likely pathogenic (1); Uncertain significance (1). Last evaluated 2024-10-09.

Conditions:
Proteinuria, chronic benign. Identifiers: MedGen C5394384, MONDO:0030042, OMIM 618884.
Imerslund-Grasbeck syndrome. Also called: Megaloblastic anemia due to inborn errors of metabolism; ENTEROCYTE COBALAMIN MALABSORPTION; ENTEROCYTE INTRINSIC FACTOR RECEPTOR, DEFECT OF; PERNICIOUS ANEMIA, JUVENILE, DUE TO SELECTIVE INTESTINAL MALABSORPTION OF VITAMIN B12, WITH PROTEINURIA; Imerslund-Gräsbeck syndrome. Identifiers: Orphanet 35858, MedGen C4551825, MONDO:0009853.

Allele frequency attached by ClinVar (database versions not stated): gnomAD exomes 0.00001.
gnomAD v4.1: 18 of 1,614,130 alleles (0.0011%); highest among the groups gnomAD compares: Non-Finnish European, 0.0015%; no homozygotes.

Submissions (2):

Victorian Clinical Genetics Services, Murdoch Childrens Research Institute
Classification: Likely pathogenic for Proteinuria, chronic benign. Last evaluated: 2024-10-09. Review status: criteria provided, single submitter. Criteria: ACMG Guidelines, 2015. Collection method: clinical testing. Allele origin: germline. Inheritance: Autosomal recessive inheritance. Affected: yes.
Comment: Based on the classification scheme VCGS_Germline_v1.3.4, this variant is classified as Likely pathogenic. Following criteria are met: 0102 - Loss of function is a known mechanism of disease in this gene and is associated with Imerslund-Grasbeck syndrome 1 (MIM#261100) and chronic benign proteinuria (MIM#618884). Variants downstream of the vitamin B12/IF-binding domain are associated with isolated proteinuria (PMID: 31613795). (I) 0106 - This gene is associated with autosomal recessive disease. (I) 0200 - Variant is predicted to result in a missense amino acid change from glycine to aspartic acid. (I) 0251 - This variant is heterozygous. (I) 0301 - Variant is absent from gnomAD (both v2 and v3). (SP) 0309 - An alternative amino acid change at the same position has been observed in gnomAD (v3) (1 heterozygote, 0 homozygotes). (I) 0502 - Missense variant with conflicting in silico predictions and uninformative conservation. (I) 0600 - Variant is located in the annotated CUB domain (DECIPHER). (I) 0710 - Another missense variant comparable to the one identified in this case has inconclusive previous evidence for pathogenicity. p.(Gly1773Cys) has been classified as a VUS by a clinical laboratory in ClinVar. (I) 0803 - This variant has limited previous evidence of pathogenicity in unrelated individuals. This variant has been classified as a VUS by a clinical laboratory in ClinVar. It has also been classified as likely pathogenic by VCGS; this variant was identified in trans with a second pathogenic CUBN variant in an individual with proteinuria (VCGS internal cohort). (SP) 0905 - No published segregation evidence has been identified for this variant. (I) 1007 - No published functional evidence has been identified for this variant. (I) 1208 - Inheritance information for this variant is not currently available in this individual. (I) Legend: (SP) - Supporting pathogenic, (I) - Information, (SB) - Supporting benign

Labcorp Genetics (formerly Invitae), Labcorp
Classification: Uncertain significance for Imerslund-Grasbeck syndrome. Last evaluated: 2022-04-28. Review status: criteria provided, single submitter. Criteria: Invitae Variant Classification Sherloc (09022015). Collection method: clinical testing. Allele origin: germline.
Comment: This sequence change replaces glycine, which is neutral and non-polar, with aspartic acid, which is acidic and polar, at codon 1773 of the CUBN protein (p.Gly1773Asp). This variant is not present in population databases (gnomAD no frequency). This variant has not been reported in the literature in individuals affected with CUBN-related conditions. Algorithms developed to predict the effect of missense changes on protein structure and function (SIFT, PolyPhen-2, Align-GVGD) all suggest that this variant is likely to be disruptive. In summary, the available evidence is currently insufficient to determine the role of this variant in disease. Therefore, it has been classified as a Variant of Uncertain Significance.

Literature cited by the submitters: PubMed 31613795 (cited by Victorian Clinical Genetics Services, Murdoch Childrens Research Institute).

NM_001081.4(CUBN):c.5318G>A (p.Gly1773Asp)

Gene: CUBN (cubilin; minus strand). Cytogenetic location: 10p13.
Variant type: single nucleotide variant.
Coding change: c.5318G>A on transcript NM_001081.4 (MANE Select); coding-DNA position 5318, G replaced by A.
Protein change: p.Gly1773Asp; replaces glycine 1773 with aspartic acid.
Molecular consequence: missense variant.
Genome position (GRCh38, 1-based): chr10:16,947,259, C>T on the plus strand (G>A on the coding strand, the complement: CUBN is on the minus strand). VCF-style: chr10-16947259-C-T. GRCh37 (hg19) VCF-style: chr10-16989258-C-T.
Other names: short protein forms G1773D.
Identifiers: ClinVar variation 1805572 (VCV001805572.4), dbSNP rs776483762, ClinGen allele CA203590625.